The following is an entry in ClinVar:

ClinVar aggregate classification (germline): Conflicting classifications of pathogenicity. Review status: criteria provided, conflicting classifications (1 of 4 stars). 2 submissions from 2 submitters: Uncertain significance (1); Likely benign (1). Last evaluated 2026-04-03.

Conditions:
Inborn genetic diseases. Identifiers: MedGen C0950123, MeSH D030342.
Genitopatellar syndrome (GTPTS). Also called: ABSENT PATELLAE, SCROTAL HYPOPLASIA, RENAL ANOMALIES, FACIAL DYSMORPHISM, AND MENTAL RETARDATION; Genitopatellar syndrome (GPS). Identifiers: Orphanet 85201, MedGen C1853566, MONDO:0011640, OMIM 606170.

Allele frequency attached by ClinVar (database versions not stated): ExAC 0.00001; gnomAD 0.00001; TOPMed 0.00001; gnomAD exomes 0.00002.
gnomAD v4.1: 34 of 1,614,050 alleles (0.0021%); highest among the groups gnomAD compares: Admixed American, 0.0033%; no homozygotes.

Submissions (2):

Ambry Genetics
Classification: Likely benign for Inborn genetic diseases. Last evaluated: 2026-04-03. Review status: criteria provided, single submitter. Criteria: Ambry Variant Classification Scheme 2023. Collection method: clinical testing. Allele origin: germline.

Labcorp Genetics (formerly Invitae), Labcorp
Classification: Uncertain significance for Genitopatellar syndrome. Last evaluated: 2023-05-12. Review status: criteria provided, single submitter. Criteria: Invitae Variant Classification Sherloc (09022015). Collection method: clinical testing. Allele origin: germline.
Comment: In summary, the available evidence is currently insufficient to determine the role of this variant in disease. Therefore, it has been classified as a Variant of Uncertain Significance. An algorithm developed to predict the effect of missense changes on protein structure and function (PolyPhen-2) suggests that this variant is likely to be disruptive. This variant has not been reported in the literature in individuals affected with KAT6B-related conditions. This variant is present in population databases (rs772686445, gnomAD 0.007%). This sequence change replaces asparagine, which is neutral and polar, with serine, which is neutral and polar, at codon 2067 of the KAT6B protein (p.Asn2067Ser).

NM_012330.4(KAT6B):c.6200A>G (p.Asn2067Ser)

Gene: KAT6B (lysine acetyltransferase 6B; plus strand). Cytogenetic location: 10q22.2.
Variant type: single nucleotide variant.
Coding change: c.6200A>G on transcript NM_012330.4 (MANE Select); coding-DNA position 6200, A replaced by G.
Protein change: p.Asn2067Ser; replaces asparagine 2067 with serine.
Molecular consequence: missense variant.
Genome position (GRCh38, 1-based): chr10:75,031,024, A>G. VCF-style: chr10-75031024-A-G. GRCh37 (hg19) VCF-style: chr10-76790782-A-G.
Other names: c.6200A>G (NM_012330.2); c.5651A>G, p.Asn1884Ser (NM_001256468.2, NM_001370138.1); c.5324A>G, p.Asn1775Ser (NM_001256469.2, NM_001370139.1, NM_001370140.1 and 2 more transcripts); c.5162A>G, p.Asn1721Ser (NM_001370132.1); c.4511A>G, p.Asn1504Ser (NM_001370133.1); c.4115A>G, p.Asn1372Ser (NM_001370134.1); c.3857A>G, p.Asn1286Ser (NM_001370135.1); c.6200A>G, p.Asn2067Ser (NM_001370136.1, NM_001370137.1); and 1 more; short protein forms N1286S, N1775S, N1504S, N1884S, N2067S, N1721S, N1372S, N1712S.
Identifiers: ClinVar variation 2747307 (VCV002747307.4), dbSNP rs772686445, ClinGen allele CA5565329.